The following is an entry in ClinVar:

NM_000512.5(GALNS):c.116A>G (p.Asp39Gly)

Genes: GALNS (galactosamine (N-acetyl)-6-sulfatase; minus strand), TRAPPC2L (trafficking protein particle complex subunit 2L; plus strand), LOC130059762 (ATAC-STARR-seq lymphoblastoid silent region 7883; plus strand). Cytogenetic location: 16q24.3.
Variant type: single nucleotide variant.
Coding change: c.116A>G on transcript NM_000512.5 (MANE Select); coding-DNA position 116, A replaced by G.
Protein change: p.Asp39Gly; replaces aspartic acid 39 with glycine.
Molecular consequence: missense variant. On other transcripts: 5 prime UTR variant (2).
Genome position (GRCh38, 1-based): chr16:88,856,762, T>C on the plus strand (A>G on the coding strand, the complement: GALNS is on the minus strand). VCF-style: chr16-88856762-T-C. GRCh37 (hg19) VCF-style: chr16-88923170-T-C.
Other names: c.-316A>G (NM_001323543.2); c.-37A>G (NM_001323544.2); short protein forms D39G.
Identifiers: ClinVar variation 870481 (VCV000870481.6), dbSNP rs1967935882, ClinGen allele CA397100988.
Genomic context (GRCh38, chr16:88,856,762, plus strand): 5'-GCCCCTCCCCTCCCCGCCCCACCCCGGCCCTGCCCCGTCCCACCGCCCGCACTCACGTCG[T>C]CCATGAGCAGGAGCAGGATGTTGGGGGGCTGCGGGGCGCCCGAGGCCCCCATCCCCGCGG-3'
Protein context (NP_000503.1, residues 29-49): QPPNILLLLM[Asp39Gly]DMGWGDLGVY

ClinVar aggregate classification (germline): Pathogenic/Likely pathogenic. Review status: criteria provided, multiple submitters, no conflicts (2 of 4 stars). 2 submissions from 2 submitters: Pathogenic (1); Likely pathogenic (1). Last evaluated 2023-02-14.

Conditions:
Mucopolysaccharidosis, MPS-IV-A (MPS4A). Also called: MPS IVA; Morquio syndrome A, mild; GALACTOSAMINE-6-SULFATASE DEFICIENCY; GALNS DEFICIENCY; MORQUIO A DISEASE; Mucopolysaccharidosis type IV A. Identifiers: Orphanet 309297, Orphanet 582, MedGen C0086651, MONDO:0009659, OMIM 253000.

Allele frequency attached by ClinVar (database versions not stated): gnomAD exomes below 0.00001.
gnomAD v4.1: 6 of 1,518,082 alleles (0.0004%); highest among the groups gnomAD compares: South Asian, 0.0012%; no homozygotes.

Submissions (2):

Labcorp Genetics (formerly Invitae), Labcorp
Classification: Pathogenic for Mucopolysaccharidosis, MPS-IV-A. Last evaluated: 2023-02-14. Review status: criteria provided, single submitter. Criteria: Invitae Variant Classification Sherloc (09022015). Collection method: clinical testing. Allele origin: germline.
Comment: Advanced modeling of protein sequence and biophysical properties (such as structural, functional, and spatial information, amino acid conservation, physicochemical variation, residue mobility, and thermodynamic stability) performed at Invitae indicates that this missense variant is expected to disrupt GALNS protein function. For these reasons, this variant has been classified as Pathogenic. ClinVar contains an entry for this variant (Variation ID: 870481). This missense change has been observed in individual(s) with mucopolysaccharidosis type IVA (PMID: 35729508). This variant is not present in population databases (gnomAD no frequency). This sequence change replaces aspartic acid, which is acidic and polar, with glycine, which is neutral and non-polar, at codon 39 of the GALNS protein (p.Asp39Gly).

Foundation for Research in Genetics and Endocrinology, FRIGE's Institute of Human Genetics
Classification: Likely pathogenic for Mucopolysaccharidosis, MPS-IV-A. Review status: criteria provided, single submitter. Criteria: ACMG Guidelines, 2015. Collection method: clinical testing. Allele origin: germline. Inheritance: Autosomal recessive inheritance. Affected: yes. Observed: 1 homozygote.
Comment: A homozygous missense variation in exon 1 of the GALNS gene that results in the amino acid substitution of Glycine for Aspartic acid at codon 39 was detected. The observed variant c.116A>G (p.Asp39Gly) has not been reported in the 1000 genomes and ExAC databases. The in silico prediction of the variant is damaging by LRT and MutationTaster2. The reference codon is conserved across species. In summary, the variant meets our criteria to be classified as likely pathogenic.

Literature cited by the submitters: PubMed 35729508 (cited by Labcorp Genetics (formerly Invitae), Labcorp).